The following is an entry in ClinVar:

ClinVar aggregate classification (germline): Uncertain significance (1 of 4 stars; one submission).

Conditions:
Beta-D-mannosidosis (MANSB). Also called: MANNOSIDOSIS, BETA A, LYSOSOMAL; BETA-MANNOSIDASE DEFICIENCY; LYSOSOMAL BETA-MANNOSIDASE DEFICIENCY; Beta-Mannosidosis. Identifiers: Orphanet 118, MedGen C4048196, MONDO:0009562, OMIM 248510.

gnomAD v4.1: 2 of 1,555,444 alleles (0.00013%); highest among the groups gnomAD compares: Non-Finnish European, 0.00018%; no homozygotes.

Submission:

Labcorp Genetics (formerly Invitae), Labcorp
Classification: Uncertain significance for Beta-D-mannosidosis. Last evaluated: 2025-10-08. Review status: criteria provided, single submitter. Criteria: Invitae Variant Classification Sherloc (09022015). Collection method: clinical testing. Allele origin: germline.
Comment: This sequence change replaces lysine, which is basic and polar, with glutamic acid, which is acidic and polar, at codon 82 of the MANBA protein (p.Lys82Glu). This variant is not present in population databases (gnomAD no frequency). This variant has not been reported in the literature in individuals affected with MANBA-related conditions. Invitae Evidence Modeling of protein sequence and biophysical properties (such as structural, functional, and spatial information, amino acid conservation, physicochemical variation, residue mobility, and thermodynamic stability) has been performed for this missense variant. However, the output from this modeling did not meet the statistical confidence thresholds required to predict the impact of this variant on MANBA protein function. In summary, the available evidence is currently insufficient to determine the role of this variant in disease. Therefore, it has been classified as a Variant of Uncertain Significance.

NM_005908.4(MANBA):c.244A>G (p.Lys82Glu)

Gene: MANBA (mannosidase beta; minus strand). Cytogenetic location: 4q24.
Variant type: single nucleotide variant.
Coding change: c.244A>G on transcript NM_005908.4 (MANE Select); coding-DNA position 244, A replaced by G.
Protein change: p.Lys82Glu; replaces lysine 82 with glutamic acid.
Molecular consequence: missense variant.
Genome position (GRCh38, 1-based): chr4:102,726,617, T>C on the plus strand (A>G on the coding strand, the complement: MANBA is on the minus strand). VCF-style: chr4-102726617-T-C. GRCh37 (hg19) VCF-style: chr4-103647774-T-C.
Other names: short protein forms K82E.
Identifiers: ClinVar variation 4769071 (VCV004769071.1).
Genomic context (GRCh38, chr4:102,726,617, plus strand): 5'-AATAATAAAAATACACCCACAAACATACATACCTAATTTCAAAGGGGATTTTAAATTCTT[T>C]GCTATAGGTCCAGTTATCCAAAGAGACCCATCTGTAGTTAAGGTCATTAAATCTGTAGTA-3'
Protein context (NP_005899.3, residues 72-92): WVSLDNWTYS[Lys82Glu]EFKIPFEISK